The following is an entry in ClinVar:

NM_000514.4(GDNF):c.-26G>T

Gene: GDNF (glial cell derived neurotrophic factor; minus strand). Cytogenetic location: 5p13.2.
Variant type: single nucleotide variant.
Coding change: c.-26G>T on transcript NM_000514.4 (MANE Select); 26 bases upstream of the start codon, G replaced by T.
Molecular consequence: 5 prime UTR variant. On other transcripts: missense variant (2).
Genome position (GRCh38, 1-based): chr5:37,834,822, C>A on the plus strand (G>T on the coding strand, the complement: GDNF is on the minus strand). VCF-style: chr5-37834822-C-A. GRCh37 (hg19) VCF-style: chr5-37834924-C-A.
Other names: c.26G>T, p.Gly9Val (NM_001190468.1, NM_001190469.1); c.-184G>T (NM_001278098.1); c.-26G>T (NM_199231.2); short protein forms G9V.
Identifiers: ClinVar variation 931232 (VCV000931232.3), dbSNP rs1348074191, ClinGen allele CA359615097.
Genomic context (GRCh38, chr5:37,834,822, plus strand): 5'-ACCAGGCAGACAGCCACGACATCCCATAACTTCATCTTAAAGTCCCGTCCGGCGGCGGCA[C>A]CTGCGCGGGCAGGCGGGAGGTGGGGGAGAGAACCGCAGAATGCACGTTAAGCCTGGGCTC-3'

ClinVar aggregate classification (germline): Uncertain significance (1 of 4 stars; one submission).

Conditions:
Hirschsprung disease, susceptibility to, 3. Identifiers: Orphanet 388, MedGen C3150974, MONDO:0013383, OMIM 613711.

Allele frequency attached by ClinVar (database versions not stated): gnomAD exomes below 0.00001.
gnomAD v4.1: 2 of 1,612,472 alleles (0.00012%); highest among the groups gnomAD compares: Non-Finnish European, 0.00017%; no homozygotes.

Submission:

Centre for Mendelian Genomics, University Medical Centre Ljubljana
Classification: Uncertain significance for Hirschsprung disease, susceptibility to, 3. Last evaluated: 2020-02-13. Review status: criteria provided, single submitter. Criteria: ACMG Guidelines, 2015. Collection method: clinical testing. Allele origin: unknown. Affected: yes.
Comment: This variant was classified as: Uncertain significance. The available evidence on this variant's pathogenicity is insufficient or conflicting. The following ACMG criteria were applied in classifying this variant: PP3.